The following is an entry in ClinVar:

ClinVar aggregate classification (germline): Likely benign (1 of 4 stars; one submission).

Allele frequency attached by ClinVar (database versions not stated): gnomAD exomes below 0.00001.
gnomAD v4.1: 4 of 1,614,146 alleles (0.00025%); highest among the groups gnomAD compares: Non-Finnish European, 0.00034%; no homozygotes.

Submission:

GeneDx
Classification: Likely benign. Last evaluated: 2015-11-11. Review status: criteria provided, single submitter. Criteria: GeneDx Variant Classification (06012015). Collection method: clinical testing. Allele origin: germline. Affected: yes.
Comment: This variant is considered likely benign or benign based on one or more of the following criteria: it is a conservative change, it occurs at a poorly conserved position in the protein, it is predicted to be benign by multiple in silico algorithms, and/or has population frequency not consistent with disease.

NM_004517.4(ILK):c.219G>C (p.Leu73=)

Genes: ILK (integrin linked kinase; plus strand), TAF10 (TATA-box binding protein associated factor 10; minus strand). Cytogenetic location: 11p15.4.
Variant type: single nucleotide variant.
Coding change: c.219G>C on transcript NM_004517.4 (MANE Select); coding-DNA position 219, G replaced by C.
Protein change: p.Leu73=; no amino-acid change (leucine 73 retained).
Molecular consequence: synonymous variant. On other transcripts: 3 prime UTR variant (1), intron variant (1).
Genome position (GRCh38, 1-based): chr11:6,608,175, G>C. VCF-style: chr11-6608175-G-C. GRCh37 (hg19) VCF-style: chr11-6629405-G-C.
Other names: c.219G>C, p.Leu73= (NM_001014794.3, NM_001014795.3, NM_001278441.2); c.*2747C>G (NM_006284.4); c.-147-219G>C (NM_001278442.2).
Identifiers: ClinVar variation 381754 (VCV000381754.1), dbSNP rs1057521161, ClinGen allele CA16606277.